The following is an entry in ClinVar:

ClinVar aggregate classification (germline): Likely benign. Review status: criteria provided, single submitter (1 of 4 stars). 3 submissions from 3 submitters: Likely benign (1). 2 of the submissions do not count toward it. Last evaluated 2026-02-04.

Conditions:
Epidermolysis bullosa dystrophica. Also called: Dystrophic epidermolysis bullosa, Hallopeau-Siemens type (formerly); Dystrophic epidermolysis bullosa. Identifiers: Orphanet 303, MedGen C0079294, MONDO:0006543.
COL7A1-related disorder. Also called: COL7A1-related condition; COL7A1- related disorders.

Allele frequency attached by ClinVar (database versions not stated): gnomAD exomes 0.00005; ExAC 0.00007; TOPMed 0.00008; gnomAD 0.00009.
gnomAD v4.1: 107 of 1,614,104 alleles (0.0066%); highest among the groups gnomAD compares: East Asian, 0.031%; 1 homozygote.

Submissions (3):

Labcorp Genetics (formerly Invitae), Labcorp
Classification: Likely benign. Last evaluated: 2026-02-04. Review status: criteria provided, single submitter. Criteria: Invitae Variant Classification Sherloc (09022015). Collection method: clinical testing. Allele origin: germline.

PreventionGenetics, part of Exact Sciences
Classification: Likely benign for COL7A1-related condition. Last evaluated: 2022-08-21. Review status: no assertion criteria provided. Collection method: clinical testing. Allele origin: germline. Not counted in ClinVar's aggregate classification.
Comment: This variant is classified as likely benign based on ACMG/AMP sequence variant interpretation guidelines (Richards et al. 2015 PMID: 25741868, with internal and published modifications).

Natera, Inc.
Classification: Uncertain significance for Dystrophic epidermolysis bullosa. Last evaluated: 2020-02-13. Review status: no assertion criteria provided. Collection method: clinical testing. Allele origin: germline. Not counted in ClinVar's aggregate classification.

NM_000094.4(COL7A1):c.8037C>T (p.Ile2679=)

Gene: COL7A1 (collagen type VII alpha 1 chain; minus strand). Cytogenetic location: 3p21.31.
Variant type: single nucleotide variant.
Coding change: c.8037C>T on transcript NM_000094.4 (MANE Select); coding-DNA position 8037, C replaced by T.
Protein change: p.Ile2679=; no amino-acid change (isoleucine 2679 retained).
Molecular consequence: synonymous variant.
Genome position (GRCh38, 1-based): chr3:48,567,583, G>A on the plus strand (C>T on the coding strand, the complement: COL7A1 is on the minus strand). VCF-style: chr3-48567583-G-A. GRCh37 (hg19) VCF-style: chr3-48605016-G-A.
Identifiers: ClinVar variation 749857 (VCV000749857.12), dbSNP rs112974441, ClinGen allele CA2378195.
Genomic context (GRCh38, chr3:48,567,583, plus strand): 5'-CCCTGCCCCATCCTGACTCCCTGTCATGTCCACTGTCCACAGACCCTGTACCTTGGGACC[G>A]ATCAGGCCCTCCTTGCCAGGGGCCCCCGACTGGCCCGGCACACCAGGCTCCCCCTGGAGA-3'
Protein context (NP_000085.1, residues 2669-2689): QSGAPGKEGL[Ile2679=]GPKGDRGFDG